The following is an entry in ClinVar:

ClinVar aggregate classification (germline): Benign/Likely benign. Review status: criteria provided, multiple submitters, no conflicts (2 of 4 stars). 13 submissions from 13 submitters: Benign (7); Likely benign (2). 4 of the submissions do not count toward it. Last evaluated 2026-06-01.

Conditions:
MYLK2-related disorder. Also called: MYLK2-related condition.
Cardiomyopathy (CMYO). Also called: Cardiomyopathies. Identifiers: Orphanet 167848, MedGen C0878544, MONDO:0004994, HP:0001638. Inheritance: Various modes of inheritance.
Hypertrophic cardiomyopathy 1 (CMH1). Also called: Familial hypertrophic cardiomyopathy 1; MYH7-Related Familial Hypertrophic Cardiomyopathy. Identifiers: MedGen C3495498, MONDO:0008647, OMIM 192600.

Allele frequency attached by ClinVar (database versions not stated): 1000 Genomes Project 0.00839; 1000 Genomes Project 30x 0.00984; gnomAD 0.01268; TOPMed 0.01560; ESP Exome Variant Server 0.01576.
gnomAD v4.1: 29,903 of 1,605,850 alleles (1.9%); highest among the groups gnomAD compares: Non-Finnish European, 2.3%; 367 homozygotes.

Submissions (13):

CeGaT Center for Human Genetics Tuebingen
Classification: Benign. Last evaluated: 2026-06-01. Review status: criteria provided, single submitter. Criteria: CeGaT Center For Human Genetics Tuebingen Variant Classification Criteria Version 2. Collection method: clinical testing. Allele origin: germline. Affected: yes. Observed: 8 variant alleles.
Comment: MYLK2: BP4, BS1, BS2

Labcorp Genetics (formerly Invitae), Labcorp
Classification: Benign for Hypertrophic cardiomyopathy 1. Last evaluated: 2026-02-03. Review status: criteria provided, single submitter. Criteria: Invitae Variant Classification Sherloc (09022015). Collection method: clinical testing. Allele origin: germline.

ARUP Laboratories, Molecular Genetics and Genomics, ARUP Laboratories
Classification: Benign for Hypertrophic cardiomyopathy 1. Last evaluated: 2023-08-26. Review status: criteria provided, single submitter. Criteria: ARUP Molecular Germline Variant Investigation Process 2024. Collection method: clinical testing. Allele origin: germline.

Mendelics
Classification: Likely benign for Hypertrophic cardiomyopathy 1. Last evaluated: 2019-05-28. Review status: criteria provided, single submitter. Criteria: Mendelics Assertion Criteria 2017. Collection method: clinical testing. Allele origin: unknown.

CHEO Genetics Diagnostic Laboratory, Children's Hospital of Eastern Ontario
Classification: Benign for Cardiomyopathy. Last evaluated: 2019-04-23. Review status: criteria provided, single submitter. Criteria: ACMG Guidelines, 2015. Collection method: clinical testing. Allele origin: germline.

GeneDx
Classification: Benign. Last evaluated: 2014-03-10. Review status: criteria provided, single submitter. Criteria: GeneDx Variant Classification (06012015). Collection method: clinical testing. Allele origin: germline. Affected: yes.
Comment: This variant is considered likely benign or benign based on one or more of the following criteria: it is a conservative change, it occurs at a poorly conserved position in the protein, it is predicted to be benign by multiple in silico algorithms, and/or has population frequency not consistent with disease.

Biesecker Lab/Clinical Genomics Section, National Institutes of Health
Classification: Benign. Last evaluated: 2013-06-24. Review status: criteria provided, single submitter. Criteria: Ng et al. (Circ Cardiovasc Genet. 2013). Collection method: research. Allele origin: unknown. Observed: 20 variant alleles. Study: ClinSeq.
Comment: The study set was not selected for affection status in relation to any cancer. Pathogenicity categories were based on literature curation. See Pubmed ID:23861362 for details.

Medical sequencing

Laboratory for Molecular Medicine, Mass General Brigham Personalized Medicine
Classification: Benign. Last evaluated: 2012-04-04. Review status: criteria provided, single submitter. Criteria: LMM Criteria. Collection method: clinical testing. Allele origin: germline. Observed: 55 variant alleles.
Comment: Pro144Ala in Exon 03 of MYLK2: This variant is not expected to have clinical sig nificance because it has been identified in 2.0% (137/7018) of European American chromosomes from a broad population by the NHLBI Exome Sequencing Project (dbSNP rs34396614).

Breakthrough Genomics
Classification: Likely benign. Review status: criteria provided, single submitter. Criteria: ACMG Guidelines, 2015. Collection method: not provided. Allele origin: germline. Inheritance: Autosomal dominant inheritance. Affected: yes.

PreventionGenetics, part of Exact Sciences
Classification: Benign for MYLK2-related condition. Last evaluated: 2019-03-13. Review status: no assertion criteria provided. Collection method: clinical testing. Allele origin: germline. Not counted in ClinVar's aggregate classification.
Comment: This variant is classified as benign based on ACMG/AMP sequence variant interpretation guidelines (Richards et al. 2015 PMID: 25741868, with internal and published modifications).

Women's Health and Genetics/Laboratory Corporation of America, LabCorp
Classification: Benign for Cardiomyopathy. Last evaluated: 2013-12-09. Review status: no assertion criteria provided. Collection method: clinical testing. Allele origin: germline. Not counted in ClinVar's aggregate classification.

Genome Diagnostics Laboratory, University Medical Center Utrecht
Classification: Benign. Review status: no assertion criteria provided. Collection method: clinical testing. Allele origin: germline. Affected: yes. Study: VKGL Data-share Consensus. Not counted in ClinVar's aggregate classification.

Joint Genome Diagnostic Labs from Nijmegen and Maastricht, Radboudumc and MUMC+
Classification: Benign. Review status: no assertion criteria provided. Collection method: clinical testing. Allele origin: germline. Affected: yes. Study: VKGL Data-share Consensus. Not counted in ClinVar's aggregate classification.

NM_033118.4(MYLK2):c.430C>G (p.Pro144Ala)

Gene: MYLK2 (myosin light chain kinase 2; plus strand). Cytogenetic location: 20q11.21.
Variant type: single nucleotide variant.
Coding change: c.430C>G on transcript NM_033118.4 (MANE Select); coding-DNA position 430, C replaced by G.
Protein change: p.Pro144Ala; replaces proline 144 with alanine.
Molecular consequence: missense variant.
Genome position (GRCh38, 1-based): chr20:31,820,503, C>G. VCF-style: chr20-31820503-C-G. GRCh37 (hg19) VCF-style: chr20-30408306-C-G.
Other names: p.P144A:CCT>GCT; short protein forms P144A.
Identifiers: ClinVar variation 36652 (VCV000036652.54), dbSNP rs34396614, ClinGen allele CA138534.